The following continues an entry in ClinVar:

NM_000465.4(BARD1):c.1977A>G (p.Arg659=)

Gene: BARD1. ClinVar aggregate classification (germline): Conflicting classifications of pathogenicity. Uncertain significance (2); Benign (7); Likely benign (13).

Submissions 20 to 28 of 28:

University of Washington Department of Laboratory Medicine, University of Washington
Classification: Likely benign for Hereditary Breast Carcinoma. Last evaluated: 2018-03-28. Review status: criteria provided, single submitter. Criteria: Tsai GJ et al. (Genet Med 2018). Collection method: research. Allele origin: germline. Inheritance: Autosomal dominant inheritance. Affected: no.
Comment: The BARD1 variant designated as NM_000465.3:c.1977A>G (p.Arg659=) is classified as likely benign. The variant is present in approximately 1 in every 170 individuals with European ancestry, which is more common than cancer risk variants. In one observed family, the allele did not travel with breast cancer in the family, providing additional evidence that the BARD1 p.Arg659= is benign. This variant has been classified as likely benign by other laboratories (ClinVar Variation ID: 127727). Bayesian analysis integrating all of this data (Tavtigian et al, 2018, PMID:29300386) gives a <1% probability of pathogenicity, which is consistent with a classification of likely benign. This variant is not predicted to alter BARD1 function or modify cancer risk. A modest (less than 2 fold) increase in cancer risk due to this variant cannot be entirely excluded. This reclassification analysis was performed in conjunction with the family studies project as part of the University of Washington Find My Variant Study.

Institute for Biomarker Research, Medical Diagnostic Laboratories, L.L.C.
Classification: Likely benign for Hereditary cancer-predisposing syndrome. Last evaluated: 2017-07-12. Review status: criteria provided, single submitter. Criteria: ACMG Guidelines, 2015. Collection method: clinical testing. Allele origin: germline.

Illumina Laboratory Services, Illumina
Classification: Uncertain significance for Familial cancer of breast. Last evaluated: 2017-04-27. Review status: criteria provided, single submitter. Criteria: ICSL Variant Classification Criteria 13 December 2019. Collection method: clinical testing. Allele origin: germline.
Comment: This variant was observed as part of a predisposition screen in an ostensibly healthy population. A literature search was performed for the gene, cDNA change, and amino acid change (where applicable). Publications were found based on this search. However, the evidence from the literature, in combination with allele frequency data from public databases where available, was not sufficient to rule this variant in or out of causing disease. Therefore, this variant is classified as a variant of unknown significance.

PreventionGenetics, part of Exact Sciences
Classification: Likely benign for BARD1-related condition. Last evaluated: 2019-05-16. Review status: no assertion criteria provided. Collection method: clinical testing. Allele origin: germline. Not counted in ClinVar's aggregate classification.
Comment: This variant is classified as likely benign based on ACMG/AMP sequence variant interpretation guidelines (Richards et al. 2015 PMID: 25741868, with internal and published modifications).

Counsyl
Classification: Likely benign for Familial cancer of breast. Last evaluated: 2017-11-09. Review status: no assertion criteria provided. Collection method: clinical testing. Allele origin: unknown. Not counted in ClinVar's aggregate classification.

Clinical Genetics DNA and cytogenetics Diagnostics Lab, Erasmus MC, Erasmus Medical Center
Classification: Likely benign. Review status: no assertion criteria provided. Collection method: clinical testing. Allele origin: germline. Affected: yes. Study: VKGL Data-share Consensus. Not counted in ClinVar's aggregate classification.

Department of Pathology and Laboratory Medicine, Sinai Health System
Classification: Likely benign for Malignant tumor of breast. Review status: no assertion criteria provided. Collection method: clinical testing. Allele origin: unknown. Affected: yes. Study: The Canadian Open Genetics Repository (COGR). Not counted in ClinVar's aggregate classification.
Comment: The BARD1 p.Arg659= variant was identified in 50 of 25,074 proband chromosomes (frequency: 0.002) from individuals or families with basal cell carcinoma and hereditary breast and ovarian cancer and was present in 14 of 9414 control chromosomes (frequency: 0.001) from healthy individuals (Suszynska 2019, Cho 2018). The variant was identified in dbSNP (rs147215925) as â€šÃ„Ãºwith other alleleâ€šÃ„Ã¹ and ClinVar (classified as likely benign by GeneDx, Ambry Genetics, Mendelics and 4 other submitters, benign by Invitae, Color and Quest Diagnostics and uncertain significance by Integrated Genetics and Prevention Genetics). The variant was identified in control databases in 576 of 282,800 chromosomes (1 homozygous) at a frequency of 0.002 increasing the likelihood this could be a low frequency benign variant (Genome Aggregation Database Feb 27, 2017). The variant was observed in the following populations: Ashkenazi Jewish in 81 of 10,366 chromosomes (freq: 0.008), Other in 24 of 7216 chromosomes (freq: 0.003), European in 398 of 129,128 chromosomes (freq: 0.003), Finnish in 33 of 25,118 chromosomes (freq: 0.001), Latino in 30 of 35,438 chromosomes (freq: 0.0008), African in 9 of 24,968 chromosomes (freq: 0.0004), South Asian in 1 of 30,612 chromosomes (freq: 0.00003), while the variant was not observed in the East Asian population. The p.Arg659= variant is not expected to have clinical significance because it does not result in a change of amino acid and is not located in a known consensus splice site. The variant occurs at a non-highly conserved nucleotide outside of the splicing consensus sequence and in silico or computational prediction software programs (SpliceSiteFinder, MaxEntScan, NNSPLICE, GeneSplicer) do not predict a difference in splicing. In summary, based on the above information the clinical significance of this variant cannot be determined with certainty at this time although we would lean towards a more benign role for this variant. This variant is classified as likely benign.

Genome Diagnostics Laboratory, Amsterdam University Medical Center
Classification: Likely benign. Review status: no assertion criteria provided. Collection method: clinical testing. Allele origin: germline. Affected: yes. Study: VKGL Data-share Consensus. Not counted in ClinVar's aggregate classification.

Laboratory of Diagnostic Genome Analysis, Leiden University Medical Center (LUMC)
Classification: Likely benign. Review status: no assertion criteria provided. Collection method: clinical testing. Allele origin: germline. Affected: yes. Study: VKGL Data-share Consensus. Not counted in ClinVar's aggregate classification.

Literature cited by the submitters: PubMed 34824355 (cited by Center for Genomic Medicine, Rigshospitalet, Copenhagen University Hospital); PubMed 28821472 (cited by Quest Diagnostics Nichols Institute San Juan Capistrano); PubMed 30374176 (cited by Quest Diagnostics Nichols Institute San Juan Capistrano); PubMed 21344236 (cited by 3 submitters); PubMed 25994375 (cited by Quest Diagnostics Nichols Institute San Juan Capistrano and Counsyl); PubMed 26329992 (cited by Quest Diagnostics Nichols Institute San Juan Capistrano); PubMed 26787654 (cited by Counsyl).